The following is an entry in ClinVar:

NM_021930.6(RINT1):c.1166C>T (p.Pro389Leu)

Gene: RINT1 (RAD50 interactor 1; plus strand). Cytogenetic location: 7q22.3.
Variant type: single nucleotide variant.
Coding change: c.1166C>T on transcript NM_021930.6 (MANE Select); coding-DNA position 1166, C replaced by T.
Protein change: p.Pro389Leu; replaces proline 389 with leucine.
Molecular consequence: missense variant. On other transcripts: non-coding transcript variant (1).
Genome position (GRCh38, 1-based): chr7:105,550,319, C>T. VCF-style: chr7-105550319-C-T. GRCh37 (hg19) VCF-style: chr7-105190766-C-T.
Other names: c.932C>T, p.Pro311Leu (NM_001346599.2); c.143C>T, p.Pro48Leu (NM_001346600.2, NM_001346603.2); c.242C>T, p.Pro81Leu (NM_001346601.2); short protein forms P81L, P389L, P48L, P311L.
Identifiers: ClinVar variation 3433598 (VCV003433598.1).

ClinVar aggregate classification (germline): Uncertain significance (1 of 4 stars; one submission).

Submission:

Ambry Genetics
Classification: Uncertain significance. Last evaluated: 2024-08-11. Review status: criteria provided, single submitter. Criteria: Ambry Variant Classification Scheme 2023. Collection method: clinical testing. Allele origin: germline.
Comment: The p.P389L variant (also known as c.1166C>T), located in coding exon 9 of the RINT1 gene, results from a C to T substitution at nucleotide position 1166. The proline at codon 389 is replaced by leucine, an amino acid with similar properties. This amino acid position is conserved. In addition, this alteration is predicted to be tolerated by in silico analysis. Based on the available evidence, the clinical significance of this variant remains unclear.